The following is an entry in ClinVar:

NM_018082.6(POLR3B):c.910A>G (p.Thr304Ala)

Gene: POLR3B (RNA polymerase III subunit B; plus strand). Cytogenetic location: 12q23.3.
Variant type: single nucleotide variant.
Coding change: c.910A>G on transcript NM_018082.6 (MANE Select); coding-DNA position 910, A replaced by G.
Protein change: p.Thr304Ala; replaces threonine 304 with alanine.
Molecular consequence: missense variant.
Genome position (GRCh38, 1-based): chr12:106,405,920, A>G. VCF-style: chr12-106405920-A-G. GRCh37 (hg19) VCF-style: chr12-106799698-A-G.
Other names: c.736A>G, p.Thr246Ala (NM_001160708.2); short protein forms T246A, T304A.
Identifiers: ClinVar variation 3391667 (VCV003391667.1).

ClinVar aggregate classification (germline): Uncertain significance (1 of 4 stars; one submission).

Submission:

GeneDx
Classification: Uncertain significance. Last evaluated: 2024-06-21. Review status: criteria provided, single submitter. Criteria: GeneDx Variant Classification Process June 2021. Collection method: clinical testing. Allele origin: germline. Affected: yes.
Comment: Not observed at significant frequency in large population cohorts (gnomAD); In silico analysis supports that this missense variant has a deleterious effect on protein structure/function; Has not been previously published as pathogenic or benign to our knowledge